The following is an entry in ClinVar:

NM_001384900.1(SEMA3D):c.1938G>A (p.Thr646=)

Genes: SEMA3D (semaphorin 3D; minus strand), LOC126860094 (BRD4-independent group 4 enhancer GRCh37_chr7:84628763-84629962; plus strand). Cytogenetic location: 7q21.11.
Variant type: single nucleotide variant.
Coding change: c.1938G>A on transcript NM_001384900.1 (MANE Select); coding-DNA position 1938, G replaced by A.
Protein change: p.Thr646=; no amino-acid change (threonine 646 retained).
Molecular consequence: synonymous variant.
Genome position (GRCh38, 1-based): chr7:84,999,836, C>T on the plus strand (G>A on the coding strand, the complement: SEMA3D is on the minus strand). VCF-style: chr7-84999836-C-T. GRCh37 (hg19) VCF-style: chr7-84629152-C-T.
Other names: c.1938G>A, p.Thr646= (NM_001384901.1, NM_001384902.1, NM_001384903.1 and 1 more transcripts).
Identifiers: ClinVar variation 742221 (VCV000742221.7), dbSNP rs572313876, ClinGen allele CA4323233.

ClinVar aggregate classification (germline): Likely benign. Review status: criteria provided, multiple submitters, no conflicts (2 of 4 stars). 3 submissions from 3 submitters: Likely benign (2). 1 of the submissions does not count toward it. Last evaluated 2019-12-31.

Conditions:
SEMA3D-related disorder. Also called: SEMA3D-related condition.

Allele frequency attached by ClinVar (database versions not stated): gnomAD exomes 0.00007 and 0.00018; gnomAD 0.00008; ExAC 0.00013; 1000 Genomes Project 30x 0.00016; TOPMed 0.00017; 1000 Genomes Project 0.00020.
gnomAD v4.1: 110 of 1,613,254 alleles (0.0068%); highest among the groups gnomAD compares: Admixed American, 0.072%; no homozygotes.

Submissions (3):

Labcorp Genetics (formerly Invitae), Labcorp
Classification: Likely benign. Last evaluated: 2019-12-31. Review status: criteria provided, single submitter. Criteria: Invitae Variant Classification Sherloc (09022015). Collection method: clinical testing. Allele origin: germline.

Breakthrough Genomics
Classification: Likely benign. Review status: criteria provided, single submitter. Criteria: ACMG Guidelines, 2015. Collection method: not provided. Allele origin: germline. Inheritance: Unknown mechanism. Affected: yes.

PreventionGenetics, part of Exact Sciences
Classification: Likely benign for SEMA3D-related condition. Last evaluated: 2021-05-26. Review status: no assertion criteria provided. Collection method: clinical testing. Allele origin: germline. Not counted in ClinVar's aggregate classification.
Comment: This variant is classified as likely benign based on ACMG/AMP sequence variant interpretation guidelines (Richards et al. 2015 PMID: 25741868, with internal and published modifications).